The following is an entry in ClinVar:

ClinVar aggregate classification (germline): Conflicting classifications of pathogenicity. Review status: criteria provided, conflicting classifications (1 of 4 stars). 5 submissions from 3 submitters: Uncertain significance (2); Benign (1); Likely benign (2). Last evaluated 2026-01-12.

Conditions:
Aplastic anemia. Identifiers: Orphanet 182040, Orphanet 88, MedGen C0002874, MONDO:0015909, OMIM 609135, HP:0001915.
Pulmonary fibrosis and/or bone marrow failure, Telomere-related, 1. Also called: PULMONARY FIBROSIS AND/OR BONE MARROW FAILURE SYNDROME, TELOMERE-RELATED, 1. Identifiers: Orphanet 88, MedGen C3553617, MONDO:0013878, OMIM 614742.
Dyskeratosis congenita, autosomal dominant 2. Identifiers: MedGen C3151443, MONDO:0013521, OMIM 613989.
Idiopathic Pulmonary Fibrosis. Also called: Idiopathic fibrosing alveolitis, chronic form; idiopathic fibrosing alveolitis. Identifiers: Orphanet 2032, MedGen C1800706, MeSH D054990, MONDO:0800504.
Dyskeratosis congenita. Identifiers: Orphanet 1775, MedGen C0265965, MONDO:0015780.

Allele frequency attached by ClinVar (database versions not stated): gnomAD 0.00002 and 0.00003; TOPMed 0.00002; gnomAD exomes 0.00003 and 0.00004; ExAC 0.00006; 1000 Genomes Project 30x 0.00016; 1000 Genomes Project 0.00020.
gnomAD v4.1: 47 of 1,614,186 alleles (0.0029%); highest among the groups gnomAD compares: East Asian, 0.011%; no homozygotes.

Submissions (5):

Labcorp Genetics (formerly Invitae), Labcorp
Classification: Likely benign for Dyskeratosis congenita, autosomal dominant 2; Idiopathic Pulmonary Fibrosis. Last evaluated: 2026-01-12. Review status: criteria provided, single submitter. Criteria: Invitae Variant Classification Sherloc (09022015). Collection method: clinical testing. Allele origin: germline.

Ambry Genetics
Classification: Likely benign for Dyskeratosis congenita. Last evaluated: 2022-02-18. Review status: criteria provided, single submitter. Criteria: Ambry Variant Classification Scheme 2023. Collection method: clinical testing. Allele origin: germline.

Illumina Laboratory Services, Illumina
Classification: Benign for Pulmonary fibrosis and/or bone marrow failure, Telomere-related, 1. Last evaluated: 2018-01-12. Review status: criteria provided, single submitter. Criteria: ICSL Variant Classification Criteria 13 December 2019. Collection method: clinical testing. Allele origin: germline.
Comment: This variant was observed in the ICSL laboratory as part of a predisposition screen in an ostensibly healthy population. It had not been previously curated by ICSL or reported in the Human Gene Mutation Database (HGMD: prior to June 1st, 2018), and was therefore a candidate for classification through an automated scoring system. Utilizing variant allele frequency, disease prevalence and penetrance estimates, and inheritance mode, an automated score was calculated to assess if this variant is too frequent to cause the disease. Based on the score and internal cut-off values, a variant classified as benign is not then subjected to further curation. The score for this variant resulted in a classification of benign for this disease.

Illumina Laboratory Services, Illumina
Classification: Uncertain significance for Dyskeratosis congenita, autosomal dominant 2. Last evaluated: 2018-01-12. Review status: criteria provided, single submitter. Criteria: ICSL Variant Classification Criteria 13 December 2019. Collection method: clinical testing. Allele origin: germline.

Illumina Laboratory Services, Illumina
Classification: Uncertain significance for Aplastic anemia. Last evaluated: 2018-01-12. Review status: criteria provided, single submitter. Criteria: ICSL Variant Classification Criteria 13 December 2019. Collection method: clinical testing. Allele origin: germline.

NM_198253.3(TERT):c.2886C>T (p.Arg962=)

Gene: TERT (telomerase reverse transcriptase; minus strand). Cytogenetic location: 5p15.33.
Variant type: single nucleotide variant.
Coding change: c.2886C>T on transcript NM_198253.3 (MANE Select); coding-DNA position 2886, C replaced by T.
Protein change: p.Arg962=; no amino-acid change (arginine 962 retained).
Molecular consequence: synonymous variant. On other transcripts: non-coding transcript variant (2).
Genome position (GRCh38, 1-based): chr5:1,260,558, G>A on the plus strand (C>T on the coding strand, the complement: TERT is on the minus strand). VCF-style: chr5-1260558-G-A. GRCh37 (hg19) VCF-style: chr5-1260673-G-A.
Other names: c.2697C>T, p.Arg899= (NM_001193376.3).
Identifiers: ClinVar variation 350593 (VCV000350593.18), dbSNP rs542440625, ClinGen allele CA3184349.